The following is an entry in ClinVar:

ClinVar aggregate classification (germline): Likely pathogenic (1 of 4 stars; one submission).

Conditions:
Smith-Lemli-Opitz syndrome (SLOS). Also called: LETHAL ACRODYSGENITAL SYNDROME; POLYDACTYLY, SEX REVERSAL, RENAL HYPOPLASIA, AND UNILOBAR LUNG; RSH SYNDROME; RUTLEDGE LETHAL MULTIPLE CONGENITAL ANOMALY SYNDROME; 7-Dehydrocholesterol reductase deficiency. Identifiers: Orphanet 818, MedGen C0175694, MONDO:0010035, OMIM 270400.

Submissions (2):

Natera, Inc.
Classification: Likely pathogenic for Smith-Lemli-Opitz syndrome. Last evaluated: 2025-04-16. Review status: criteria provided, single submitter. Criteria: Natera Variant Classification Schema (03/2026). Collection method: clinical testing. Allele origin: germline.
Comment: The c.963+1G>C variant in DHCR7 is a canonical splice donor site variant predicted to affect pre-mRNA splicing, which may result in an abnormal transcript and altered protein product. This variant is expected to result in nonsense mediated decay, truncation, or a dysfunctional protein product. This variant is rare in the general population with a frequency below the threshold expected for the associated phenotype(s). Given the available evidence, this variant is classified as Likely Pathogenic.

Dr. Peter K. Rogan Lab, Western University
No classification provided (evidence only). Condition: Ovarian serous cystadenocarcinoma. Review status: no classification provided. Collection method: in vitro. Allele origin: not applicable. Functional consequence: retained intron. Not counted in ClinVar's aggregate classification.

NM_001360.3(DHCR7):c.963+1G>C

Gene: DHCR7 (7-dehydrocholesterol reductase; minus strand). Cytogenetic location: 11q13.4.
Variant type: single nucleotide variant.
Coding change: c.963+1G>C on transcript NM_001360.3 (MANE Select); the canonical splice donor site of the intron after coding-DNA position 963, G replaced by C.
Molecular consequence: splice donor variant. On other transcripts: missense variant (1), intron variant (1).
Genome position (GRCh38, 1-based): chr11:71,437,811, C>G on the plus strand (G>C on the coding strand, the complement: DHCR7 is on the minus strand). VCF-style: chr11-71437811-C-G. GRCh37 (hg19) VCF-style: chr11-71148857-C-G.
Other names: NC_000011.9:g.71148857C>G; c.964G>C, p.Val322Leu (NM_001425119.1); c.963+1G>C (NM_001425120.1, NM_001425109.1, NM_001163817.2 and 4 more transcripts); c.867+1G>C (NM_001425114.1, NM_001425116.1); c.903+1G>C (NM_001425113.1); c.869+95G>C (NM_001425121.1); c.1014+1G>C (NM_001425107.1); c.999+1G>C (NM_001425108.1); and 1 more; short protein forms V322L.
Identifiers: ClinVar variation 4065832 (VCV004065832.3).